The following is an entry in ClinVar:

NM_005045.4(RELN):c.2983A>G (p.Ile995Val)

Gene: RELN (reelin; minus strand). Cytogenetic location: 7q22.1.
Variant type: single nucleotide variant.
Coding change: c.2983A>G on transcript NM_005045.4 (MANE Select); coding-DNA position 2983, A replaced by G.
Protein change: p.Ile995Val; replaces isoleucine 995 with valine.
Molecular consequence: missense variant.
Genome position (GRCh38, 1-based): chr7:103,610,720, T>C on the plus strand (A>G on the coding strand, the complement: RELN is on the minus strand). VCF-style: chr7-103610720-T-C. GRCh37 (hg19) VCF-style: chr7-103251167-T-C.
Other names: c.2983A>G, p.Ile995Val (NM_173054.3); short protein forms I995V.
Identifiers: ClinVar variation 2926588 (VCV002926588.3), dbSNP rs1831932210, ClinGen allele CA368765632.

ClinVar aggregate classification (germline): Uncertain significance (1 of 4 stars; one submission).

Conditions:
Norman-Roberts syndrome (LIS2). Also called: Lissencephaly 2 (Norman-Roberts type). Identifiers: Orphanet 89844, MedGen C0796089, MONDO:0009760, OMIM 257320.
Familial temporal lobe epilepsy 7. Identifiers: Orphanet 101046, MedGen C4225327, MONDO:0014639, OMIM 616436.

Allele frequency attached by ClinVar (database versions not stated): TOPMed 0.00001.
gnomAD v4.1: 3 of 1,599,066 alleles (0.00019%); highest among the groups gnomAD compares: Non-Finnish European, 0.00026%; no homozygotes.

Submission:

Labcorp Genetics (formerly Invitae), Labcorp
Classification: Uncertain significance for Familial temporal lobe epilepsy 7; Norman-Roberts syndrome. Last evaluated: 2024-06-22. Review status: criteria provided, single submitter. Criteria: Invitae Variant Classification Sherloc (09022015). Collection method: clinical testing. Allele origin: germline.
Comment: This sequence change replaces isoleucine, which is neutral and non-polar, with valine, which is neutral and non-polar, at codon 995 of the RELN protein (p.Ile995Val). This variant is not present in population databases (gnomAD no frequency). This variant has not been reported in the literature in individuals affected with RELN-related conditions. Advanced modeling of protein sequence and biophysical properties (such as structural, functional, and spatial information, amino acid conservation, physicochemical variation, residue mobility, and thermodynamic stability) performed at Invitae indicates that this missense variant is not expected to disrupt RELN protein function with a negative predictive value of 80%. In summary, the available evidence is currently insufficient to determine the role of this variant in disease. Therefore, it has been classified as a Variant of Uncertain Significance.